The following is an entry in ClinVar:

ClinVar aggregate classification (germline): Benign (1 of 4 stars; one submission).

Conditions:
MELAS syndrome (MELAS). Also called: Juvenile myopathy, encephalopathy, lactic acidosis, stroke. Identifiers: Orphanet 550, MedGen C0162671, MONDO:0010789, OMIM 540000.

Submission:

Wong Mito Lab, Molecular and Human Genetics, Baylor College of Medicine
Classification: Benign for MELAS syndrome. Last evaluated: 2019-07-12. Review status: criteria provided, single submitter. Criteria: Modified ACMG Guidelines (Unpublished). Collection method: clinical testing. Allele origin: germline.
Comment: The NC_012920.1:m.5786T>C variant in MT-TC gene is interpreted to be a Benign variant based on the modified ACMG guidelines (unpublished). This variant meets the following evidence codes reported in the guidelines: BS1, BS2, BP4

Literature cited by the submitters: PubMed 31965079.

NC_012920.1(MT-TC):m.5786T>C

Gene: MT-TC (mitochondrially encoded tRNA cysteine; minus strand).
Variant type: single nucleotide variant.
Genome position: chrM-5786-T-C.
Identifiers: ClinVar variation 689989 (VCV000689989.1), dbSNP rs1603220117, ClinGen allele CA913180453.